The following is an entry in ClinVar:

ClinVar aggregate classification (germline): Conflicting classifications of pathogenicity. Review status: criteria provided, conflicting classifications (1 of 4 stars). 4 submissions from 4 submitters: Uncertain significance (3); Likely benign (1). Last evaluated 2026-10-12.

Conditions:
Cardiovascular phenotype. Identifiers: MedGen CN230736.

Allele frequency attached by ClinVar (database versions not stated): 1000 Genomes Project 0.00060; 1000 Genomes Project 30x 0.00047.
gnomAD v4.1: 108 of 1,613,096 alleles (0.0067%); highest among the groups gnomAD compares: African/African-American, 0.072%; no homozygotes.

Submissions (4):

GeneDx
Classification: Uncertain significance. Last evaluated: 2026-10-12. Review status: criteria provided, single submitter. Criteria: GeneDx Variant Classification Process June 2021. Collection method: clinical testing. Allele origin: germline.
Comment: Has not been previously published as pathogenic or benign to our knowledge; In silico analysis supports that this missense variant has a deleterious effect on protein structure/function

Mayo Clinic Laboratories, Mayo Clinic
Classification: Likely benign. Last evaluated: 2025-09-12. Review status: criteria provided, single submitter. Criteria: ACMG Guidelines, 2015. Collection method: clinical testing. Allele origin: germline. Observed: 3 variant alleles.
Comment: BS1, BP4

Women's Health and Genetics/Laboratory Corporation of America, LabCorp
Classification: Uncertain significance. Last evaluated: 2025-09-04. Review status: criteria provided, single submitter. Criteria: LabCorp Variant Classification Summary - May 2015. Collection method: clinical testing. Allele origin: germline.
Comment: Variant summary: TNXB c.8289C>G (p.Phe2763Leu) results in a non-conservative amino acid change in the encoded protein sequence. Algorithms developed to predict the effect of missense changes on protein structure and function are either unavailable or do not agree on the potential impact of this missense change. The variant allele was found at a frequency of 0.00013 in 245864 control chromosomes (gnomAD). This frequency is not significantly higher than estimated for disease-causing variants in TNXB, allowing no conclusion about variant significance. To our knowledge, no occurrence of c.8289C>G in individuals affected with TNXB-related conditions and no experimental evidence demonstrating its impact on protein function have been reported. ClinVar contains an entry for this variant (Variation ID: 1708004). Based on the evidence outlined above, the variant was classified as uncertain significance.

Ambry Genetics
Classification: Uncertain significance for Cardiovascular phenotype. Last evaluated: 2024-07-25. Review status: criteria provided, single submitter. Criteria: Ambry Variant Classification Scheme 2023. Collection method: clinical testing. Allele origin: germline.
Comment: The p.F2763L variant (also known as c.8289C>G), located in coding exon 23 of the TNXB gene, results from a C to G substitution at nucleotide position 8289. The phenylalanine at codon 2763 is replaced by leucine, an amino acid with highly similar properties. This amino acid position is highly conserved in available vertebrate species. In addition, this alteration is predicted to be tolerated by in silico analysis. Based on the available evidence, the clinical significance of this variant remains unclear.

NM_001365276.2(TNXB):c.8289C>G (p.Phe2763Leu)

Gene: TNXB (tenascin XB; minus strand). Cytogenetic location: 6p21.33.
Variant type: single nucleotide variant.
Coding change: c.8289C>G on transcript NM_001365276.2 (MANE Select); coding-DNA position 8289, C replaced by G.
Protein change: p.Phe2763Leu; replaces phenylalanine 2763 with leucine.
Molecular consequence: missense variant.
Genome position (GRCh38, 1-based): chr6:32,056,029, G>C on the plus strand (C>G on the coding strand, the complement: TNXB is on the minus strand). VCF-style: chr6-32056029-G-C. GRCh37 (hg19) VCF-style: chr6-32023806-G-C.
Other names: p.Phe2763Leu; c.8289C>G, p.Phe2763Leu (NM_019105.8); short protein forms F2763L.
Identifiers: ClinVar variation 1708004 (VCV001708004.10), dbSNP rs542131017, ClinGen allele CA3733897.